The following is an entry in ClinVar:

ClinVar aggregate classification (germline): Likely benign (1 of 4 stars; one submission).

gnomAD v4.1: 53 of 1,612,958 alleles (0.0033%); highest among the groups gnomAD compares: Middle Eastern, 0.019%; no homozygotes.

Submission:

Mayo Clinic Laboratories, Mayo Clinic
Classification: Likely benign. Last evaluated: 2025-08-20. Review status: criteria provided, single submitter. Criteria: ACMG Guidelines, 2015. Collection method: clinical testing. Allele origin: germline. Observed: 1 variant allele.
Comment: BP4, BP7

NM_000324.3(RHAG):c.807+10G>A

Gene: RHAG (Rh associated glycoprotein; minus strand). Cytogenetic location: 6p12.3.
Variant type: single nucleotide variant.
Coding change: c.807+10G>A on transcript NM_000324.3 (MANE Select); 10 bases into the intron after coding-DNA position 807, G replaced by A.
Molecular consequence: intron variant.
Genome position (GRCh38, 1-based): chr6:49,614,677, C>T on the plus strand (G>A on the coding strand, the complement: RHAG is on the minus strand). VCF-style: chr6-49614677-C-T. GRCh37 (hg19) VCF-style: chr6-49582390-C-T.
Other names: p.?.
Identifiers: ClinVar variation 4683189 (VCV004683189.1).
Genomic context (GRCh38, chr6:49,614,677, plus strand): 5'-CCTACTACTTATCTGAGCAACTGTCAGTGTTGTGAAGCAAAATTTCCATGAGGGCTAAGG[C>T]GGCACTTACCATGTTGAGCTTGCCTCGGTGCTCCACTAGGCTGGAGAAGGCAAAGGCTGT-3'